The following is an entry in ClinVar:

ClinVar aggregate classification (germline): Pathogenic (1 of 4 stars; one submission).

Conditions:
Early-infantile DEE. Also called: Ohtahara syndrome; Early infantile epileptic encephalopathy with suppression bursts; Early infantile epileptic encephalopathy. Identifiers: Orphanet 1934, MedGen C0393706, MONDO:0800491.

Submission:

Labcorp Genetics (formerly Invitae), Labcorp
Classification: Pathogenic for Early-infantile DEE. Last evaluated: 2025-06-15. Review status: criteria provided, single submitter. Criteria: Invitae Variant Classification Sherloc (09022015). Collection method: clinical testing. Allele origin: germline.
Comment: This sequence change replaces tyrosine, which is neutral and polar, with cysteine, which is neutral and slightly polar, at codon 317 of the SCN1A protein (p.Tyr317Cys). This variant is not present in population databases (gnomAD no frequency). This missense change has been observed in individual(s) with Dravet syndrome (PMID: 28202706, 35074891). In at least one individual the variant was observed to be de novo. Invitae Evidence Modeling of protein sequence and biophysical properties (such as structural, functional, and spatial information, amino acid conservation, physicochemical variation, residue mobility, and thermodynamic stability) indicates that this missense variant is expected to disrupt SCN1A protein function with a positive predictive value of 95%. This variant disrupts the p.Tyr317 amino acid residue in SCN1A. Other variant(s) that disrupt this residue have been determined to be pathogenic (PMID: 25459968, 32427350). This suggests that this residue is clinically significant, and that variants that disrupt this residue are likely to be disease-causing. For these reasons, this variant has been classified as Pathogenic.

Literature cited by the submitters: PubMed 28202706; PubMed 35074891; PubMed 25459968; PubMed 32427350.

NM_001165963.4(SCN1A):c.950A>G (p.Tyr317Cys)

Gene: SCN1A (sodium voltage-gated channel alpha subunit 1; minus strand). Cytogenetic location: 2q24.3.
Variant type: single nucleotide variant.
Coding change: c.950A>G on transcript NM_001165963.4 (MANE Select); coding-DNA position 950, A replaced by G.
Protein change: p.Tyr317Cys; replaces tyrosine 317 with cysteine.
Molecular consequence: missense variant. On other transcripts: 5 prime UTR variant (1), non-coding transcript variant (1).
Genome position (GRCh38, 1-based): chr2:166,051,733, T>C on the plus strand (A>G on the coding strand, the complement: SCN1A is on the minus strand). VCF-style: chr2-166051733-T-C. GRCh37 (hg19) VCF-style: chr2-166908243-T-C.
Other names: c.950A>G, p.Tyr317Cys (NM_001165964.3, NM_001202435.3, NM_001353948.2 and 10 more transcripts); c.-1476A>G (NM_001353961.2); short protein forms Y317C.
Identifiers: ClinVar variation 4747063 (VCV004747063.1).
Genomic context (GRCh38, chr2:166,051,733, plus strand): 5'-ATCCAATTCTACTTTTTAAGGAAATGTACATAACAATAATTCTTACTTGAATCTTGAATA[T>C]ATGACTTCCAGTCAAACTCAAAGACAGTTTCATTTATAAGTGTACCATTATAATTCACAG-3'
Protein context (NP_001159435.1, residues 307-327): ETVFEFDWKS[Tyr317Cys]IQDSRYHYFL